The following is an entry in ClinVar:

NM_206933.4(USH2A):c.10724G>C (p.Cys3575Ser)

Gene: USH2A (usherin; minus strand). Cytogenetic location: 1q41.
Variant type: single nucleotide variant.
Coding change: c.10724G>C on transcript NM_206933.4 (MANE Select); coding-DNA position 10724, G replaced by C.
Protein change: p.Cys3575Ser; replaces cysteine 3575 with serine.
Molecular consequence: missense variant.
Genome position (GRCh38, 1-based): chr1:215,782,058, C>G on the plus strand (G>C on the coding strand, the complement: USH2A is on the minus strand). VCF-style: chr1-215782058-C-G. GRCh37 (hg19) VCF-style: chr1-215955400-C-G.
Other names: c.10724G>C (NM_206933.2); short protein forms C3575S.
Identifiers: ClinVar variation 1486818 (VCV001486818.9), dbSNP rs111033265, ClinGen allele CA344836162.

ClinVar aggregate classification (germline): Likely pathogenic (1 of 4 stars; one submission).

Conditions:
Retinitis pigmentosa 39 (RP39). Identifiers: Orphanet 791, MedGen C3151138, MONDO:0013436, OMIM 613809.
USH2A-related disorder. Also called: USH2A-related disorders; USH2A-related condition. Identifiers: MedGen CN239332.
Usher syndrome type 2A. Also called: USHER SYNDROME, TYPE IIA; RETINAL DISEASE IN USHER SYNDROME TYPE IIA, MODIFIER OF. Identifiers: Orphanet 231178, Orphanet 886, MedGen C1848634, MONDO:0010169, OMIM 276901.

Submission:

Labcorp Genetics (formerly Invitae), Labcorp
Classification: Likely pathogenic. Last evaluated: 2023-07-03. Review status: criteria provided, single submitter. Criteria: Invitae Variant Classification Sherloc (09022015). Collection method: clinical testing. Allele origin: germline.
Comment: This sequence change replaces cysteine, which is neutral and slightly polar, with serine, which is neutral and polar, at codon 3575 of the USH2A protein (p.Cys3575Ser). This variant is not present in population databases (gnomAD no frequency). This missense change has been observed in individual(s) with clinical features of Usher syndrome (Invitae). In at least one individual the data is consistent with being in trans (on the opposite chromosome) from a pathogenic variant. ClinVar contains an entry for this variant (Variation ID: 1486818). Advanced modeling of protein sequence and biophysical properties (such as structural, functional, and spatial information, amino acid conservation, physicochemical variation, residue mobility, and thermodynamic stability) has been performed at Invitae for this missense variant, however the output from this modeling did not meet the statistical confidence thresholds required to predict the impact of this variant on USH2A protein function. This variant disrupts the p.Cys3575 amino acid residue in USH2A. Other variant(s) that disrupt this residue have been determined to be pathogenic (PMID: 22135276, 25649381). This suggests that this residue is clinically significant, and that variants that disrupt this residue are likely to be disease-causing. In summary, the currently available evidence indicates that the variant is pathogenic, but additional data are needed to prove that conclusively. Therefore, this variant has been classified as Likely Pathogenic.

Literature cited by the submitters: PubMed 22135276 (cited by Labcorp Genetics (formerly Invitae), Labcorp); PubMed 25649381 (cited by Labcorp Genetics (formerly Invitae), Labcorp).